The following is an entry in ClinVar:

ClinVar aggregate classification (germline): Likely benign (1 of 4 stars; one submission).

Submission:

CeGaT Center for Human Genetics Tuebingen
Classification: Likely benign. Last evaluated: 2022-03-01. Review status: criteria provided, single submitter. Criteria: CeGaT Center For Human Genetics Tuebingen Variant Classification Criteria Version 2. Collection method: clinical testing. Allele origin: germline. Affected: yes. Observed: 1 variant allele.
Comment: DCHS1: PM2:Supporting, BP4, BP7

NM_003737.4(DCHS1):c.6435G>A (p.Gln2145=)

Gene: DCHS1 (dachsous cadherin-related 1; minus strand). Cytogenetic location: 11p15.4.
Variant type: single nucleotide variant.
Coding change: c.6435G>A on transcript NM_003737.4 (MANE Select); coding-DNA position 6435, G replaced by A.
Protein change: p.Gln2145=; no amino-acid change (glutamine 2145 retained).
Molecular consequence: synonymous variant.
Genome position (GRCh38, 1-based): chr11:6,626,310, C>T on the plus strand (G>A on the coding strand, the complement: DCHS1 is on the minus strand). VCF-style: chr11-6626310-C-T. GRCh37 (hg19) VCF-style: chr11-6647541-C-T.
Identifiers: ClinVar variation 2641562 (VCV002641562.24), dbSNP rs2493816763, ClinGen allele CA472925235.